The following is an entry in ClinVar:

ClinVar aggregate classification (germline): Uncertain significance (1 of 4 stars; one submission).

Conditions:
Microcephaly, normal intelligence and immunodeficiency (NBS). Also called: IMMUNODEFICIENCY, MICROCEPHALY, AND CHROMOSOMAL INSTABILITY; SEEMANOVA SYNDROME II; BERLIN BREAKAGE SYNDROME; Nijmegen breakage syndrome; Microcephaly with normal intelligence immunodeficiency and lymphoreticular malignancies; Nonsyndromal microcephaly autosomal recessive with normal intelligence. Identifiers: Orphanet 647, MedGen C0398791, MONDO:0009623, OMIM 251260.

Submission:

Labcorp Genetics (formerly Invitae), Labcorp
Classification: Uncertain significance for Microcephaly, normal intelligence and immunodeficiency. Last evaluated: 2023-04-22. Review status: criteria provided, single submitter. Criteria: Invitae Variant Classification Sherloc (09022015). Collection method: clinical testing. Allele origin: germline.
Comment: In summary, the available evidence is currently insufficient to determine the role of this variant in disease. Therefore, it has been classified as a Variant of Uncertain Significance. Experimental studies and prediction algorithms are not available or were not evaluated, and the functional significance of this variant is currently unknown. This variant has not been reported in the literature in individuals affected with NBN-related conditions. Information on the frequency of this variant in the gnomAD database is not available, as this variant may be reported differently in the database. This sequence change replaces isoleucine, which is neutral and non-polar, with phenylalanine, which is neutral and non-polar, at codon 35 of the NBN protein (p.Ile35Phe).

NM_002485.5(NBN):c.102_103delinsAT (p.Ile35Phe)

Gene: NBN (nibrin; minus strand). Cytogenetic location: 8q21.3.
Variant type: Indel.
Coding change: c.102_103delinsAT on transcript NM_002485.5 (MANE Select); coding-DNA positions 102 to 103, GA replaced by AT.
Protein change: p.Ile35Phe; replaces isoleucine 35 with phenylalanine.
Molecular consequence: missense variant. On other transcripts: 5 prime UTR variant (1).
Genome position (GRCh38, 1-based): chr8:89,982,790-89,982,791, TC replaced by AT on the plus strand (GA replaced by AT on the coding strand, the reverse complement: NBN is on the minus strand). VCF-style: chr8-89982790-TC-AT. GRCh37 (hg19) VCF-style: chr8-90995018-TC-AT.
Other names: c.-195_-194delinsAT (NM_001024688.3); short protein forms I35F.
Identifiers: ClinVar variation 2858141 (VCV002858141.3), dbSNP rs2488369112, ClinGen allele CA2739268846.